The following is an entry in ClinVar:

ClinVar aggregate classification (germline): Uncertain significance. Review status: criteria provided, multiple submitters, no conflicts (2 of 4 stars). 3 submissions from 3 submitters: Uncertain significance (3). Last evaluated 2024-11-01.

Conditions:
Inborn genetic diseases. Identifiers: MedGen C0950123, MeSH D030342.

gnomAD v4.1: 52 of 1,607,548 alleles (0.0032%); highest among the groups gnomAD compares: East Asian, 0.0045%; no homozygotes.

Submissions (3):

Blueprint Genetics
Classification: Uncertain significance. Last evaluated: 2024-11-01. Review status: criteria provided, single submitter. Criteria: ACMG Guidelines, 2015. Collection method: clinical testing. Allele origin: germline.

Ambry Genetics
Classification: Uncertain significance for Inborn genetic diseases. Last evaluated: 2024-08-20. Review status: criteria provided, single submitter. Criteria: Ambry Variant Classification Scheme 2023. Collection method: clinical testing. Allele origin: germline.

Labcorp Genetics (formerly Invitae), Labcorp
Classification: Uncertain significance. Last evaluated: 2022-12-12. Review status: criteria provided, single submitter. Criteria: Invitae Variant Classification Sherloc (09022015). Collection method: clinical testing. Allele origin: germline.
Comment: This sequence change replaces valine, which is neutral and non-polar, with methionine, which is neutral and non-polar, at codon 42 of the CACNA2D4 protein (p.Val42Met). In summary, the available evidence is currently insufficient to determine the role of this variant in disease. Therefore, it has been classified as a Variant of Uncertain Significance. Algorithms developed to predict the effect of missense changes on protein structure and function output the following: SIFT: "Tolerated"; PolyPhen-2: "Benign"; Align-GVGD: "Class C0". The methionine amino acid residue is found in multiple mammalian species, which suggests that this missense change does not adversely affect protein function. This variant has not been reported in the literature in individuals affected with CACNA2D4-related conditions. This variant is present in population databases (rs776658230, gnomAD 0.006%).

NM_172364.5(CACNA2D4):c.124G>A (p.Val42Met)

Gene: CACNA2D4 (calcium voltage-gated channel auxiliary subunit alpha2delta 4; minus strand). Cytogenetic location: 12p13.33.
Variant type: single nucleotide variant.
Coding change: c.124G>A on transcript NM_172364.5 (MANE Select); coding-DNA position 124, G replaced by A.
Protein change: p.Val42Met; replaces valine 42 with methionine.
Molecular consequence: missense variant.
Genome position (GRCh38, 1-based): chr12:1,918,350, C>T on the plus strand (G>A on the coding strand, the complement: CACNA2D4 is on the minus strand). VCF-style: chr12-1918350-C-T. GRCh37 (hg19) VCF-style: chr12-2027516-C-T.
Other names: c.124G>A (NM_172364.4); short protein forms V42M.
Identifiers: ClinVar variation 2977057 (VCV002977057.5), dbSNP rs776658230, ClinGen allele CA6387673.